The following is an entry in ClinVar:

ClinVar aggregate classification (germline): Uncertain significance (1 of 4 stars; one submission).

Conditions:
Inborn genetic diseases. Identifiers: MedGen C0950123, MeSH D030342.

Submission:

Ambry Genetics
Classification: Uncertain significance for Inborn genetic diseases. Last evaluated: 2024-12-08. Review status: criteria provided, single submitter. Criteria: Ambry Variant Classification Scheme 2023. Collection method: clinical testing. Allele origin: germline.
Comment: The p.M451L variant (also known as c.1351A>C), located in coding exon 8 of the MECOM gene, results from an A to C substitution at nucleotide position 1351. The methionine at codon 451 is replaced by leucine, an amino acid with highly similar properties. This amino acid position is conserved. In addition, this alteration is predicted to be tolerated by in silico analysis. Based on the available evidence, the clinical significance of this variant remains unclear.

NM_004991.4(MECOM):c.1351A>C (p.Met451Leu)

Gene: MECOM (MDS1 and EVI1 complex locus; minus strand). Cytogenetic location: 3q26.2.
Variant type: single nucleotide variant.
Coding change: c.1351A>C on transcript NM_004991.4 (MANE Select); coding-DNA position 1351, A replaced by C.
Protein change: p.Met451Leu; replaces methionine 451 with leucine.
Molecular consequence: missense variant. On other transcripts: intron variant (2).
Genome position (GRCh38, 1-based): chr3:169,116,521, T>G on the plus strand (A>C on the coding strand, the complement: MECOM is on the minus strand). VCF-style: chr3-169116521-T-G. GRCh37 (hg19) VCF-style: chr3-168834309-T-G.
Other names: c.982A>C, p.Met328Leu (NM_001105077.4); c.787A>C, p.Met263Leu (NM_001105078.4, NM_001164000.2, NM_001205194.2 and 4 more transcripts); c.790A>C, p.Met264Leu (NM_001163999.2, NM_001366467.2, NM_001366468.2 and 1 more transcripts); c.1351A>C, p.Met451Leu (NM_001366466.2); c.1133-754A>C (NM_001366473.2); c.569-754A>C (NM_001366474.2); short protein forms M451L, M264L, M263L, M328L.
Identifiers: ClinVar variation 3394380 (VCV003394380.1).
Genomic context (GRCh38, chr3:169,116,521, plus strand): 5'-CAAAATAGTCAGCAAGGCCCGGGTTGGCATGACTCATATTAACCATGGACGTTTTATCCA[T>G]AGCTGGGGTTCCAGGAAGTGAAATGCCTTGGCCAAAAAATCCACCTGCCGCAAAATGGTT-3'
Protein context (NP_004982.2, residues 441-461): QGISLPGTPA[Met451Leu]DKTSMVNMSH